The following is an entry in ClinVar:

NM_000059.4(BRCA2):c.2197G>A (p.Val733Ile)

Gene: BRCA2 (BRCA2 DNA repair associated; plus strand). Cytogenetic location: 13q13.1.
Variant type: single nucleotide variant.
Coding change: c.2197G>A on transcript NM_000059.4 (MANE Select); coding-DNA position 2197, G replaced by A.
Protein change: p.Val733Ile; replaces valine 733 with isoleucine.
Molecular consequence: missense variant.
Genome position (GRCh38, 1-based): chr13:32,336,552, G>A. VCF-style: chr13-32336552-G-A. GRCh37 (hg19) VCF-style: chr13-32910689-G-A.
Other names: short protein forms V733I.
Identifiers: ClinVar variation 229961 (VCV000229961.16), dbSNP rs876658303, ClinGen allele CA10579528.
Genomic context (GRCh38, chr13:32,336,552, plus strand): 5'-CAGGAAGGACAGTGTGAAAATGATCCAAAAAGCAAAAAAGTTTCAGATATAAAAGAAGAG[G>A]TCTTGGCTGCAGCATGTCACCCAGTACAACATTCAAAAGTGGAATACAGTGATACTGACT-3'
Protein context (NP_000050.3, residues 723-743): SKKVSDIKEE[Val733Ile]LAAACHPVQH

ClinVar aggregate classification (germline): Conflicting classifications of pathogenicity. Review status: criteria provided, conflicting classifications (1 of 4 stars). 5 submissions from 5 submitters: Uncertain significance (4); Likely benign (1). Last evaluated 2025-12-03.

Conditions:
Hereditary cancer-predisposing syndrome. Also called: Hereditary neoplastic syndrome; Hereditary Cancer Syndrome; Neoplastic Syndromes, Hereditary; Tumor predisposition. Identifiers: Orphanet 140162, MedGen C0027672, MeSH D009386, MONDO:0015356.
Hereditary breast ovarian cancer syndrome. Also called: Hereditary breast and ovarian cancer syndrome; Hereditary breast and ovarian cancer syndrome (HBOC); Breast and ovarian cancer; Hereditary breast and/or ovarian cancer syndrome; Hereditary breast and ovarian cancer; BRCA1- and BRCA2-Associated Hereditary Breast and Ovarian Cancer. Identifiers: Orphanet 145, MedGen C0677776, MeSH D061325, MONDO:0003582. Disease mechanism: loss of function.

Allele frequency attached by ClinVar (database versions not stated): gnomAD exomes below 0.00001.
gnomAD v4.1: 1 of 1,614,056 alleles (0.000062%); highest among the groups gnomAD compares: East Asian, 0.0022%; no homozygotes.

Submissions (5):

Labcorp Genetics (formerly Invitae), Labcorp
Classification: Uncertain significance for Hereditary breast ovarian cancer syndrome. Last evaluated: 2025-12-03. Review status: criteria provided, single submitter. Criteria: Invitae Variant Classification Sherloc (09022015). Collection method: clinical testing. Allele origin: germline.
Comment: This sequence change replaces valine, which is neutral and non-polar, with isoleucine, which is neutral and non-polar, at codon 733 of the BRCA2 protein (p.Val733Ile). This variant is present in population databases (no rsID available, gnomAD 0.006%). This variant has not been reported in the literature in individuals affected with BRCA2-related conditions. ClinVar contains an entry for this variant (Variation ID: 229961). Invitae Evidence Modeling of protein sequence and biophysical properties (such as structural, functional, and spatial information, amino acid conservation, physicochemical variation, residue mobility, and thermodynamic stability) indicates that this missense variant is not expected to disrupt BRCA2 protein function with a negative predictive value of 95%. In summary, the available evidence is currently insufficient to determine the role of this variant in disease. Therefore, it has been classified as a Variant of Uncertain Significance.

Color Diagnostics, LLC DBA Color Health
Classification: Uncertain significance for Hereditary cancer-predisposing syndrome. Last evaluated: 2025-09-05. Review status: criteria provided, single submitter. Criteria: ACMG Guidelines, 2015. Collection method: clinical testing. Allele origin: germline.
Comment: This missense variant replaces valine with isoleucine at codon 733 of the BRCA2 protein. Computational prediction suggests that this variant may not impact protein structure and function. A functional study has reported that this variant does not impact BRCA2 in a homology-mediated DNA repair assay (PMID: 37731132). A multifactorial analysis has reached a combined likelihood ratio (LR) of 0.922 based on reported LR for co-occurrence with a pathogenic variant and personal and family history for 1 carrier (PMID: 31853058). This variant has been identified in 1/251244 chromosomes in the general population by the Genome Aggregation Database (gnomAD). The available evidence is insufficient to determine the role of this variant in disease conclusively. Therefore, this variant is classified as a Variant of Uncertain Significance.

Ambry Genetics
Classification: Uncertain significance for Hereditary cancer-predisposing syndrome. Last evaluated: 2024-08-01. Review status: criteria provided, single submitter. Criteria: Ambry Variant Classification Scheme 2023. Collection method: clinical testing. Allele origin: germline.
Comment: The p.V733I variant (also known as c.2197G>A), located in coding exon 10 of the BRCA2 gene, results from a G to A substitution at nucleotide position 2197. The valine at codon 733 is replaced by isoleucine, an amino acid with highly similar properties. This amino acid position is not well conserved in available vertebrate species. In addition, this alteration is predicted to be tolerated by in silico analysis. Based on the available evidence, the clinical significance of this variant remains unclear.

Women's Health and Genetics/Laboratory Corporation of America, LabCorp
Classification: Uncertain significance. Last evaluated: 2023-11-06. Review status: criteria provided, single submitter. Criteria: LabCorp Variant Classification Summary - May 2015. Collection method: clinical testing. Allele origin: germline.
Comment: Variant summary: BRCA2 c.2197G>A (p.Val733Ile) results in a conservative amino acid change in the encoded protein sequence. Five of five in-silico tools predict a benign effect of the variant on protein function. The variant allele was found at a frequency of 4e-06 in 251244 control chromosomes (i.e., 1 heterozygote; gnomAD v2 Exomes dataset). The available data on variant occurrences in the general population are insufficient to allow any conclusion about variant significance. To our knowledge, no occurrence of c.2197G>A in individuals affected with Hereditary Breast And Ovarian Cancer Syndrome and no experimental evidence demonstrating its impact on protein function have been reported. Three submitters have reported this variant to ClinVar after 2014 with conflicting assessments (uncertain significance, n = 2; likely benign, n = 1). Based on the evidence outlined above, the variant was classified as uncertain significance.

University of Washington Department of Laboratory Medicine, University of Washington
Classification: Likely benign for Hereditary cancer-predisposing syndrome. Last evaluated: 2023-03-23. Review status: criteria provided, single submitter. Criteria: Dines et al. (Genet Med. 2020). Collection method: curation. Allele origin: germline.
Comment: Missense variant in a coldspot region where missense variants are very unlikely to be pathogenic (PMID:31911673).

BRCA2 exon 11 coldspot. Reclassification based on statistical prior probability.

Literature cited by the submitters: PubMed 31853058 (cited by Color Diagnostics, LLC DBA Color Health); PubMed 37731132 (cited by Color Diagnostics, LLC DBA Color Health).